The following is an entry in ClinVar:

ClinVar aggregate classification (germline): Uncertain significance. Review status: criteria provided, multiple submitters, no conflicts (2 of 4 stars). 5 submissions from 5 submitters: Uncertain significance (5). Last evaluated 2025-12-06.

Conditions:
Familial thoracic aortic aneurysm and aortic dissection (TAAD). Also called: Thoracic aortic aneurysms and dissections. Identifiers: Orphanet 91387, MedGen C4707243, MONDO:0019625.
Ehlers-Danlos syndrome, classic type, 1 (EDSCL1). Also called: Ehlers-Danlos Syndrome, Classic Type, COL5A1-Related; EDS I; Ehlers-Danlos syndrome, type 1; EHLERS-DANLOS SYNDROME, GRAVIS TYPE; EHLERS-DANLOS SYNDROME, SEVERE CLASSIC TYPE. Identifiers: MedGen C0268335, MONDO:0019567, OMIM 130000.

Allele frequency attached by ClinVar (database versions not stated): TOPMed 0.00003.

Submissions (5):

Labcorp Genetics (formerly Invitae), Labcorp
Classification: Uncertain significance for Ehlers-Danlos syndrome, classic type, 1. Last evaluated: 2025-12-06. Review status: criteria provided, single submitter. Criteria: Invitae Variant Classification Sherloc (09022015). Collection method: clinical testing. Allele origin: germline.
Comment: This sequence change replaces alanine, which is neutral and non-polar, with threonine, which is neutral and polar, at codon 477 of the COL5A1 protein (p.Ala477Thr). This variant is present in population databases (rs774936702, gnomAD 0.007%). This variant has not been reported in the literature in individuals affected with COL5A1-related conditions. ClinVar contains an entry for this variant (Variation ID: 519570). An algorithm developed to predict the effect of missense changes on protein structure and function (PolyPhen-2) suggests that this variant is likely to be disruptive. In summary, the available evidence is currently insufficient to determine the role of this variant in disease. Therefore, it has been classified as a Variant of Uncertain Significance.

Women's Health and Genetics/Laboratory Corporation of America, LabCorp
Classification: Uncertain significance. Last evaluated: 2025-10-14. Review status: criteria provided, single submitter. Criteria: LabCorp Variant Classification Summary - May 2015. Collection method: clinical testing. Allele origin: germline.
Comment: Variant summary: COL5A1 c.1429G>A (p.Ala477Thr) results in a non-conservative amino acid change in the encoded protein sequence. Algorithms developed to predict the effect of missense changes on protein structure and function all suggest that this variant is likely to be disruptive. Consensus agreement among computation tools predict no significant impact on normal splicing. However, these predictions have yet to be confirmed by functional studies. The variant allele was found at a frequency of 2.4e-05 in 251316 control chromosomes (gnomAD). The available data on variant occurrences in the general population are insufficient to allow any conclusion about variant significance. To our knowledge, no occurrence of c.1429G>A in individuals affected with COL5A1-related conditions and no experimental evidence demonstrating its impact on protein function have been reported. ClinVar contains an entry for this variant (Variation ID: 519570). Based on the evidence outlined above, the variant was classified as uncertain significance.

Ambry Genetics
Classification: Uncertain significance for Familial thoracic aortic aneurysm and aortic dissection. Last evaluated: 2025-05-09. Review status: criteria provided, single submitter. Criteria: Ambry Variant Classification Scheme 2023. Collection method: clinical testing. Allele origin: germline.
Comment: The p.A477T variant (also known as c.1429G>A), located in coding exon 10 of the COL5A1 gene, results from a G to A substitution at nucleotide position 1429. The alanine at codon 477 is replaced by threonine, an amino acid with similar properties. This amino acid position is highly conserved in available vertebrate species. In addition, the in silico prediction for this alteration is inconclusive. Based on the available evidence, the clinical significance of this variant remains unclear.

GeneDx
Classification: Uncertain significance. Last evaluated: 2023-12-23. Review status: criteria provided, single submitter. Criteria: GeneDx Variant Classification Process June 2021. Collection method: clinical testing. Allele origin: germline. Affected: yes.
Comment: Has not been previously published as pathogenic or benign to our knowledge; In silico analysis supports that this missense variant does not alter protein structure/function; This variant is associated with the following publications: (PMID: 22696272)

Eurofins Ntd Llc (ga)
Classification: Uncertain significance. Last evaluated: 2018-06-29. Review status: criteria provided, single submitter. Criteria: EGL ClinVar v180209 classification definitions. Collection method: clinical testing. Allele origin: germline. Observed: 1 variant allele, 1 heterozygote.

NM_000093.5(COL5A1):c.1429G>A (p.Ala477Thr)

Gene: COL5A1 (collagen type V alpha 1 chain; plus strand). Cytogenetic location: 9q34.3.
Variant type: single nucleotide variant.
Coding change: c.1429G>A on transcript NM_000093.5 (MANE Select); coding-DNA position 1429, G replaced by A.
Protein change: p.Ala477Thr; replaces alanine 477 with threonine.
Molecular consequence: missense variant.
Genome position (GRCh38, 1-based): chr9:134,738,513, G>A. VCF-style: chr9-134738513-G-A. GRCh37 (hg19) VCF-style: chr9-137630359-G-A.
Other names: c.1429G>A, p.Ala477Thr (NM_001278074.1); short protein forms A477T.
Identifiers: ClinVar variation 519570 (VCV000519570.21), dbSNP rs774936702, ClinGen allele CA5318787.